The following is an entry in ClinVar:

NM_015559.3(SETBP1):c.4297A>C (p.Ile1433Leu)

Gene: SETBP1 (SET binding protein 1; plus strand). Cytogenetic location: 18q12.3.
Variant type: single nucleotide variant.
Coding change: c.4297A>C on transcript NM_015559.3 (MANE Select); coding-DNA position 4297, A replaced by C.
Protein change: p.Ile1433Leu; replaces isoleucine 1433 with leucine.
Molecular consequence: missense variant.
Genome position (GRCh38, 1-based): chr18:45,063,204, A>C. VCF-style: chr18-45063204-A-C. GRCh37 (hg19) VCF-style: chr18-42643169-A-C.
Other names: c.4297A>C, p.Ile1433Leu (NM_001379141.1, NM_001379142.1); short protein forms I1433L.
Identifiers: ClinVar variation 1519202 (VCV001519202.8), dbSNP rs2145592890, ClinGen allele CA402483090.
Genomic context (GRCh38, chr18:45,063,204, plus strand): 5'-AAGATGTGCAACTACACCAAGATCCTGTCCACCAAGAAGAACCTGGACCACGTGAACAAG[A>C]TCCTGAAGGCCAAGCGGCTGCAGAGACAATCAAAAACAGGCAACAACTTCGTGAAGAAGA-3'
Protein context (NP_056374.2, residues 1423-1443): TKKNLDHVNK[Ile1433Leu]LKAKRLQRQS

ClinVar aggregate classification (germline): Uncertain significance (1 of 4 stars; one submission).

Submission:

Labcorp Genetics (formerly Invitae), Labcorp
Classification: Uncertain significance. Last evaluated: 2021-04-23. Review status: criteria provided, single submitter. Criteria: Invitae Variant Classification Sherloc (09022015). Collection method: clinical testing. Allele origin: germline.
Comment: This variant has not been reported in the literature in individuals with SETBP1-related conditions. In summary, the available evidence is currently insufficient to determine the role of this variant in disease. Therefore, it has been classified as a Variant of Uncertain Significance. Algorithms developed to predict the effect of missense changes on protein structure and function are either unavailable or do not agree on the potential impact of this missense change (SIFT: "Deleterious"; PolyPhen-2: "Probably Damaging"; Align-GVGD: "Class C0"). This variant is not present in population databases (ExAC no frequency). This sequence change replaces isoleucine with leucine at codon 1433 of the SETBP1 protein (p.Ile1433Leu). The isoleucine residue is moderately conserved and there is a small physicochemical difference between isoleucine and leucine.